The following is an entry in ClinVar:

NM_006415.4(SPTLC1):c.1393A>G (p.Lys465Glu)

Gene: SPTLC1 (serine palmitoyltransferase long chain base subunit 1; minus strand). Cytogenetic location: 9q22.31.
Variant type: single nucleotide variant.
Coding change: c.1393A>G on transcript NM_006415.4 (MANE Select); coding-DNA position 1393, A replaced by G.
Protein change: p.Lys465Glu; replaces lysine 465 with glutamic acid.
Molecular consequence: missense variant.
Genome position (GRCh38, 1-based): chr9:92,032,494, T>C on the plus strand (A>G on the coding strand, the complement: SPTLC1 is on the minus strand). VCF-style: chr9-92032494-T-C. GRCh37 (hg19) VCF-style: chr9-94794776-T-C.
Other names: c.1361A>G, p.Gln454Arg (NM_001281303.2); c.1027A>G, p.Lys343Glu (NM_001368272.1); c.928A>G, p.Lys310Glu (NM_001368273.1); short protein forms K343E, K465E, K310E, Q454R.
Identifiers: ClinVar variation 1042690 (VCV001042690.11), dbSNP rs773640417, ClinGen allele CA5121190.
Genomic context (GRCh38, chr9:92,032,494, plus strand): 5'-GTGGCAGGAGGCCATGGTCCCGGGACTCTGCCTAGAGCAGGACGGCCTGGGCTACCTCCT[T>C]GATGGTGGACGCAGCTCTCTCCAGTTCTTCCTCTGTTTGTTCCACCGTGACCACAACCCG-3'
Protein context (NP_006406.1, residues 455-473): EELERAASTI[Lys465Glu]EVAQAVLL

ClinVar aggregate classification (germline): Conflicting classifications of pathogenicity. Review status: criteria provided, conflicting classifications (1 of 4 stars). 3 submissions from 3 submitters: Uncertain significance (2); Likely benign (1). Last evaluated 2024-10-05.

Conditions:
Neuropathy, hereditary sensory and autonomic, type 1A (HSAN1A). Also called: SPTLC1-Related Hereditary Sensory Neuropathy; NEUROPATHY, HEREDITARY SENSORY AND AUTONOMIC, TYPE IA; HSAN IA; HSN IA; NEUROPATHY, HEREDITARY SENSORY RADICULAR, AUTOSOMAL DOMINANT, TYPE 1A. Identifiers: MedGen C5235211, MONDO:0008086, OMIM 162400.
Amyotrophic lateral sclerosis 27, juvenile (ALS27). Identifiers: MedGen C5830359, MONDO:0859529, OMIM 620285.
Hereditary sensory and autonomic neuropathy type 1 (HSAN1). Also called: HSAN 1; HSN Type I; Hereditary Sensory Neuropathy Type I. Identifiers: Orphanet 36386, MedGen C0020071, MONDO:0018213.

Allele frequency attached by ClinVar (database versions not stated): ExAC 0.00002; gnomAD exomes 0.00004 and 0.00002; gnomAD 0.00003 and 0.00004; TOPMed 0.00003.
gnomAD v4.1: 38 of 1,614,052 alleles (0.0024%); highest among the groups gnomAD compares: Admixed American, 0.012%; no homozygotes.

Submissions (3):

Labcorp Genetics (formerly Invitae), Labcorp
Classification: Uncertain significance for Hereditary sensory and autonomic neuropathy type 1. Last evaluated: 2024-10-05. Review status: criteria provided, single submitter. Criteria: Invitae Variant Classification Sherloc (09022015). Collection method: clinical testing. Allele origin: germline.
Comment: This sequence change replaces lysine, which is basic and polar, with glutamic acid, which is acidic and polar, at codon 465 of the SPTLC1 protein (p.Lys465Glu). This variant is present in population databases (rs773640417, gnomAD 0.009%). This missense change has been observed in individual(s) with clinical features of SPTLC1-related conditions (PMID: 34190362). ClinVar contains an entry for this variant (Variation ID: 1042690). Invitae Evidence Modeling of protein sequence and biophysical properties (such as structural, functional, and spatial information, amino acid conservation, physicochemical variation, residue mobility, and thermodynamic stability) indicates that this missense variant is not expected to disrupt SPTLC1 protein function with a negative predictive value of 80%. In summary, the available evidence is currently insufficient to determine the role of this variant in disease. Therefore, it has been classified as a Variant of Uncertain Significance.

Department of Pathology and Laboratory Medicine, Sinai Health System
Classification: Uncertain significance for Amyotrophic lateral sclerosis 27, juvenile; Neuropathy, hereditary sensory and autonomic, type 1A. Last evaluated: 2023-01-31. Review status: criteria provided, single submitter. Criteria: ACMG Guidelines, 2015. Collection method: research. Allele origin: germline.

GeneDx
Classification: Likely benign. Last evaluated: 2019-11-08. Review status: criteria provided, single submitter. Criteria: GeneDx Variant Classification Process June 2021. Collection method: clinical testing. Allele origin: germline. Affected: yes.
Comment: See Variant Classification Assertion Criteria.

Literature cited by the submitters: PubMed 34190362 (cited by Labcorp Genetics (formerly Invitae), Labcorp).